The following is an entry in ClinVar:

NM_001386298.1(CIC):c.4553T>A (p.Leu1518Gln)

Gene: CIC (capicua transcriptional repressor; plus strand). Cytogenetic location: 19q13.2.
Variant type: single nucleotide variant.
Coding change: c.4553T>A on transcript NM_001386298.1 (MANE Select); coding-DNA position 4553, T replaced by A.
Protein change: p.Leu1518Gln; replaces leucine 1518 with glutamine.
Molecular consequence: missense variant.
Genome position (GRCh38, 1-based): chr19:42,290,594, T>A. VCF-style: chr19-42290594-T-A. GRCh37 (hg19) VCF-style: chr19-42794746-T-A.
Other names: c.4553T>A, p.Leu1518Gln (NM_001304815.2, NM_001379480.1, NM_001379482.1 and 6 more transcripts); c.1826T>A, p.Leu609Gln (NM_001379484.1, NM_001439191.1, NM_015125.5 and 3 more transcripts); short protein forms L1518Q, L609Q.
Identifiers: ClinVar variation 4851638 (VCV004851638.1).
Genomic context (GRCh38, chr19:42,290,594, plus strand): 5'-GGTTCCTCCCAATGGATCCTGCCACCTTCCGGCGCAAGAGACCCGAAAGTGTGGGTGGCC[T>A]GGAGCCACCAGGCCCCTCAGTCATCGCGGCCCCTCCCAGCGGAGGAGGAAACATCCTGCA-3'
Protein context (NP_001373227.1, residues 1508-1528): RRKRPESVGG[Leu1518Gln]EPPGPSVIAA

ClinVar aggregate classification (germline): Uncertain significance (1 of 4 stars; one submission).

Submission:

Greenwood Genetic Center Diagnostic Laboratories, Greenwood Genetic Center
Classification: Uncertain significance. Last evaluated: 2025-02-04. Review status: criteria provided, single submitter. Criteria: ACMG Guidelines, 2015. Collection method: clinical testing. Allele origin: germline.
Comment: PM2